The following is an entry in ClinVar:

ClinVar aggregate classification (germline): Uncertain significance. Review status: criteria provided, multiple submitters, no conflicts (2 of 4 stars). 2 submissions from 2 submitters: Uncertain significance (2). Last evaluated 2023-10-24.

Conditions:
Hereditary cancer-predisposing syndrome. Also called: Hereditary Cancer Syndrome; Hereditary neoplastic syndrome; Neoplastic Syndromes, Hereditary; Tumor predisposition. Identifiers: Orphanet 140162, MedGen C0027672, MeSH D009386, MONDO:0015356.

Submissions (2):

Ambry Genetics
Classification: Uncertain significance for Hereditary cancer-predisposing syndrome. Last evaluated: 2023-10-24. Review status: criteria provided, single submitter. Criteria: Ambry Variant Classification Scheme 2023. Collection method: clinical testing. Allele origin: germline.
Comment: The p.I422T variant (also known as c.1265T>C), located in coding exon 13 of the RB1 gene, results from a T to C substitution at nucleotide position 1265. The isoleucine at codon 422 is replaced by threonine, an amino acid with similar properties. This amino acid position is conserved. In addition, the in silico prediction for this alteration is inconclusive. Since supporting evidence is limited at this time, the clinical significance of this alteration remains unclear.

GeneDx
Classification: Uncertain significance. Last evaluated: 2022-12-28. Review status: criteria provided, single submitter. Criteria: GeneDx Variant Classification Process June 2021. Collection method: clinical testing. Allele origin: germline. Affected: yes.
Comment: Not observed at significant frequency in large population cohorts (gnomAD); In silico analysis supports that this missense variant has a deleterious effect on protein structure/function; Has not been previously published as pathogenic or benign to our knowledge; This variant is associated with the following publications: (PMID: Dayalan_2006_Review)

NM_000321.3(RB1):c.1265T>C (p.Ile422Thr)

Gene: RB1 (RB transcriptional corepressor 1; plus strand). Cytogenetic location: 13q14.2.
Variant type: single nucleotide variant.
Coding change: c.1265T>C on transcript NM_000321.3 (MANE Select); coding-DNA position 1265, T replaced by C.
Protein change: p.Ile422Thr; replaces isoleucine 422 with threonine.
Molecular consequence: missense variant.
Genome position (GRCh38, 1-based): chr13:48,376,967, T>C. VCF-style: chr13-48376967-T-C. GRCh37 (hg19) VCF-style: chr13-48951103-T-C.
Other names: c.1265T>C, p.Ile422Thr (NM_001407165.1, NM_001407166.1); short protein forms I422T.
Identifiers: ClinVar variation 2507260 (VCV002507260.2), dbSNP rs2138136414, ClinGen allele CA388162045.